The following is an entry in ClinVar:

ClinVar aggregate classification (germline): Uncertain significance (1 of 4 stars; one submission).

Conditions:
Cardiac anomalies - developmental delay - facial dysmorphism syndrome (MRFACD). Also called: MED13L Syndrome; Impaired intellectual development and distinctive facial features with or without cardiac defects. Identifiers: Orphanet 369891, MedGen C5192431, MONDO:0014773, OMIM 616789.

Submission:

Baylor Genetics
Classification: Uncertain significance for Cardiac anomalies - developmental delay - facial dysmorphism syndrome. Last evaluated: 2020-06-09. Review status: criteria provided, single submitter. Criteria: ACMG Guidelines, 2015. Collection method: clinical testing. Allele origin: unknown. Affected: yes.
Comment: This variant was determined to be of uncertain significance according to ACMG Guidelines, 2015 [PMID:25741868].

NM_015335.5(MED13L):c.970C>T (p.Pro324Ser)

Gene: MED13L (mediator complex subunit 13L; minus strand). Cytogenetic location: 12q24.21.
Variant type: single nucleotide variant.
Coding change: c.970C>T on transcript NM_015335.5 (MANE Select); coding-DNA position 970, C replaced by T.
Protein change: p.Pro324Ser; replaces proline 324 with serine.
Molecular consequence: missense variant.
Genome position (GRCh38, 1-based): chr12:116,019,263, G>A on the plus strand (C>T on the coding strand, the complement: MED13L is on the minus strand). VCF-style: chr12-116019263-G-A. GRCh37 (hg19) VCF-style: chr12-116457068-G-A.
Other names: short protein forms P324S.
Identifiers: ClinVar variation 1030493 (VCV001030493.1), dbSNP rs1183900324, ClinGen allele CA386899251.